The following is an entry in ClinVar:

NM_006268.5(DPF2):c.230G>A (p.Arg77Gln)

Gene: DPF2 (double PHD fingers 2; plus strand). Cytogenetic location: 11q13.1.
Variant type: single nucleotide variant.
Coding change: c.230G>A on transcript NM_006268.5 (MANE Select); coding-DNA position 230, G replaced by A.
Protein change: p.Arg77Gln; replaces arginine 77 with glutamine.
Molecular consequence: missense variant.
Genome position (GRCh38, 1-based): chr11:65,341,002, G>A. VCF-style: chr11-65341002-G-A. GRCh37 (hg19) VCF-style: chr11-65108473-G-A.
Other names: c.230G>A (NM_006268.4); c.230G>A, p.Arg77Gln (NM_001330308.2); short protein forms R77Q.
Identifiers: ClinVar variation 3609573 (VCV003609573.3).

ClinVar aggregate classification (germline): Uncertain significance. Review status: criteria provided, multiple submitters, no conflicts (2 of 4 stars). 2 submissions from 2 submitters: Uncertain significance (2). Last evaluated 2026-01-05.

Conditions:
Inborn genetic diseases. Identifiers: MedGen C0950123, MeSH D030342.

gnomAD v4.1: 12 of 1,613,984 alleles (0.00074%); highest among the groups gnomAD compares: Admixed American, 0.005%; no homozygotes.

Submissions (2):

Labcorp Genetics (formerly Invitae), Labcorp
Classification: Uncertain significance. Last evaluated: 2026-01-05. Review status: criteria provided, single submitter. Criteria: Invitae Variant Classification Sherloc (09022015). Collection method: clinical testing. Allele origin: germline.
Comment: This sequence change replaces arginine, which is basic and polar, with glutamine, which is neutral and polar, at codon 77 of the DPF2 protein (p.Arg77Gln). This variant is present in population databases (rs770763995, gnomAD 0.01%). This variant has not been reported in the literature in individuals affected with DPF2-related conditions. ClinVar contains an entry for this variant (Variation ID: 3609573). An algorithm developed to predict the effect of missense changes on protein structure and function (PolyPhen-2) suggests that this variant is likely to be disruptive. In summary, the available evidence is currently insufficient to determine the role of this variant in disease. Therefore, it has been classified as a Variant of Uncertain Significance.

Ambry Genetics
Classification: Uncertain significance for Inborn genetic diseases. Last evaluated: 2025-08-14. Review status: criteria provided, single submitter. Criteria: Ambry Variant Classification Scheme 2023. Collection method: clinical testing. Allele origin: germline.